The following is an entry in ClinVar:

NM_182894.3(VSX2):c.210del (p.Ala71fs)

Gene: VSX2 (visual system homeobox 2; plus strand). Cytogenetic location: 14q24.3.
Variant type: Deletion.
Coding change: c.210del on transcript NM_182894.3 (MANE Select); coding-DNA position 210, one base deleted (C; older notation c.210delC).
Protein change: p.Ala71fs; shifts the reading frame from alanine 71.
Molecular consequence: frameshift variant.
Genome position (GRCh38, 1-based): chr14:74,239,771, C deleted; the last of 4 consecutive C bases (chr14:74,239,768-74,239,771); deleting any one gives the same sequence. VCF-style (leftmost placement, unchanged base first): chr14-74239767-GC-G. GRCh37 (hg19) VCF-style: chr14-74706470-GC-G.
Other names: short protein forms A71fs.
Identifiers: ClinVar variation 937573 (VCV000937573.4), dbSNP rs1409419238, ClinGen allele CA708504331.

ClinVar aggregate classification (germline): Pathogenic (1 of 4 stars; one submission).

Conditions:
Isolated microphthalmia 2. Identifiers: Orphanet 2542, MedGen C1864720, MONDO:0012409, OMIM 610093.

Submission:

Labcorp Genetics (formerly Invitae), Labcorp
Classification: Pathogenic for Isolated microphthalmia 2. Last evaluated: 2023-03-07. Review status: criteria provided, single submitter. Criteria: Invitae Variant Classification Sherloc (09022015). Collection method: clinical testing. Allele origin: germline.
Comment: This sequence change creates a premature translational stop signal (p.Ala71Argfs*70) in the VSX2 gene. It is expected to result in an absent or disrupted protein product. Loss-of-function variants in VSX2 are known to be pathogenic (PMID: 20414678). This variant is not present in population databases (gnomAD no frequency). This variant has not been reported in the literature in individuals affected with VSX2-related conditions. ClinVar contains an entry for this variant (Variation ID: 937573). For these reasons, this variant has been classified as Pathogenic.

Literature cited by the submitters: PubMed 20414678.